The following is an entry in ClinVar:

ClinVar aggregate classification (germline): Conflicting classifications of pathogenicity. Review status: criteria provided, conflicting classifications (1 of 4 stars). 2 submissions from 2 submitters: Uncertain significance (1); Likely benign (1). Last evaluated 2025-12-22.

Conditions:
Inborn genetic diseases. Identifiers: MedGen C0950123, MeSH D030342.

Allele frequency attached by ClinVar (database versions not stated): gnomAD exomes below 0.00001; gnomAD 0.00001.
gnomAD v4.1: 3 of 1,603,622 alleles (0.00019%); highest among the groups gnomAD compares: Admixed American, 0.005%; no homozygotes.

Submissions (2):

Ambry Genetics
Classification: Uncertain significance for Inborn genetic diseases. Last evaluated: 2025-12-22. Review status: criteria provided, single submitter. Criteria: Ambry Variant Classification Scheme 2023. Collection method: clinical testing. Allele origin: germline.
Comment: The c.607G>A (p.E203K) alteration is located in exon 6 (coding exon 1) of the AHDC1 gene. This alteration results from a G to A substitution at nucleotide position 607, causing the glutamic acid (E) at amino acid position 203 to be replaced by a lysine (K). Based on data from gnomAD, the A allele has an overall frequency of <0.001% (1/245148) total alleles studied. The highest observed frequency was 0.003% (1/34264) of Latino alleles. Based on insufficient or conflicting evidence, the clinical significance of this alteration remains unclear.

Labcorp Genetics (formerly Invitae), Labcorp
Classification: Likely benign. Last evaluated: 2025-11-03. Review status: criteria provided, single submitter. Criteria: Invitae Variant Classification Sherloc (09022015). Collection method: clinical testing. Allele origin: germline.

NM_001371928.1(AHDC1):c.607G>A (p.Glu203Lys)

Gene: AHDC1 (AT-hook DNA binding motif containing 1; minus strand). Cytogenetic location: 1p36.11.
Variant type: single nucleotide variant.
Coding change: c.607G>A on transcript NM_001371928.1 (MANE Select); coding-DNA position 607, G replaced by A.
Protein change: p.Glu203Lys; replaces glutamic acid 203 with lysine.
Molecular consequence: missense variant.
Genome position (GRCh38, 1-based): chr1:27,551,509, C>T on the plus strand (G>A on the coding strand, the complement: AHDC1 is on the minus strand). VCF-style: chr1-27551509-C-T. GRCh37 (hg19) VCF-style: chr1-27878020-C-T.
Other names: c.607G>A (NM_001029882.2); c.607G>A, p.Glu203Lys (NM_001029882.3); short protein forms E203K.
Identifiers: ClinVar variation 1927828 (VCV001927828.6), dbSNP rs1032556769, ClinGen allele CA339236713.